The following is an entry in ClinVar:

ClinVar aggregate classification (germline): Uncertain significance (1 of 4 stars; one submission).

Submission:

Labcorp Genetics (formerly Invitae), Labcorp
Classification: Uncertain significance. Last evaluated: 2022-06-07. Review status: criteria provided, single submitter. Criteria: Invitae Variant Classification Sherloc (09022015). Collection method: clinical testing. Allele origin: germline.
Comment: This sequence change replaces leucine, which is neutral and non-polar, with phenylalanine, which is neutral and non-polar, at codon 62 of the C10orf11 protein (p.Leu62Phe). This variant is not present in population databases (gnomAD no frequency). This variant has not been reported in the literature in individuals affected with C10orf11-related conditions. Algorithms developed to predict the effect of missense changes on protein structure and function are either unavailable or do not agree on the potential impact of this missense change (SIFT: "Tolerated"; PolyPhen-2: "Probably Damaging"; Align-GVGD: "Class C0"). In summary, the available evidence is currently insufficient to determine the role of this variant in disease. Therefore, it has been classified as a Variant of Uncertain Significance.

NM_001305581.2(LRMDA):c.270G>C (p.Leu90Phe)

Gene: LRMDA (leucine rich melanocyte differentiation associated; plus strand). Cytogenetic location: 10q22.3.
Variant type: single nucleotide variant.
Coding change: c.270G>C on transcript NM_001305581.2 (MANE Select); coding-DNA position 270, G replaced by C.
Protein change: p.Leu90Phe; replaces leucine 90 with phenylalanine.
Molecular consequence: missense variant. On other transcripts: non-coding transcript variant (1).
Genome position (GRCh38, 1-based): chr10:76,047,175, G>C. VCF-style: chr10-76047175-G-C. GRCh37 (hg19) VCF-style: chr10-77806933-G-C.
Other names: c.186G>C, p.Leu62Phe (NM_032024.5); short protein forms L90F, L62F.
Identifiers: ClinVar variation 2003043 (VCV002003043.4), dbSNP rs778305279, ClinGen allele CA377400892.